The following is an entry in ClinVar:

NM_021813.4(BACH2):c.931C>T (p.Arg311Trp)

Gene: BACH2 (BACH transcriptional regulator 2; minus strand). Cytogenetic location: 6q15.
Variant type: single nucleotide variant.
Coding change: c.931C>T on transcript NM_021813.4 (MANE Select); coding-DNA position 931, C replaced by T.
Protein change: p.Arg311Trp; replaces arginine 311 with tryptophan.
Molecular consequence: missense variant.
Genome position (GRCh38, 1-based): chr6:89,951,175, G>A on the plus strand (C>T on the coding strand, the complement: BACH2 is on the minus strand). VCF-style: chr6-89951175-G-A. GRCh37 (hg19) VCF-style: chr6-90660894-G-A.
Other names: c.931C>T, p.Arg311Trp (NM_001170794.2); short protein forms R311W.
Identifiers: ClinVar variation 2629295 (VCV002629295.4), dbSNP rs148083597, ClinGen allele CA143342185.

ClinVar aggregate classification (germline): Uncertain significance. Review status: criteria provided, multiple submitters, no conflicts (2 of 4 stars). 2 submissions from 2 submitters: Uncertain significance (2). Last evaluated 2024-06-02.

Conditions:
BACH2-related disorder. Also called: BACH2-related condition.

Allele frequency attached by ClinVar (database versions not stated): TOPMed 0.00002; gnomAD 0.00003; ESP Exome Variant Server 0.00015.

Submissions (2):

Labcorp Genetics (formerly Invitae), Labcorp
Classification: Uncertain significance. Last evaluated: 2024-06-02. Review status: criteria provided, single submitter. Criteria: Invitae Variant Classification Sherloc (09022015). Collection method: clinical testing. Allele origin: germline.
Comment: This sequence change replaces arginine, which is basic and polar, with tryptophan, which is neutral and slightly polar, at codon 311 of the BACH2 protein (p.Arg311Trp). The frequency data for this variant in the population databases is considered unreliable, as metrics indicate poor data quality at this position in the gnomAD database. This variant has not been reported in the literature in individuals affected with BACH2-related conditions. ClinVar contains an entry for this variant (Variation ID: 2629295). Advanced modeling of protein sequence and biophysical properties (such as structural, functional, and spatial information, amino acid conservation, physicochemical variation, residue mobility, and thermodynamic stability) performed at Invitae indicates that this missense variant is not expected to disrupt BACH2 protein function with a negative predictive value of 80%. In summary, the available evidence is currently insufficient to determine the role of this variant in disease. Therefore, it has been classified as a Variant of Uncertain Significance.

PreventionGenetics, part of Exact Sciences
Classification: Uncertain significance for BACH2-related condition. Last evaluated: 2023-10-05. Review status: criteria provided, single submitter. Criteria: ACMG Guidelines, 2015. Collection method: clinical testing. Allele origin: germline.
Comment: The BACH2 c.931C>T variant is predicted to result in the amino acid substitution p.Arg311Trp. To our knowledge, this variant has not been reported in the literature. This variant is reported in 0.0080% of alleles in individuals of African descent in gnomAD, which may be too common to be causative. Although we suspect that this variant may be benign, at this time, the clinical significance of this variant is uncertain due to the absence of conclusive functional and genetic evidence.